The following is an entry in ClinVar:

ClinVar aggregate classification (germline): Benign. Review status: criteria provided, multiple submitters, no conflicts (2 of 4 stars). 27 submissions from 20 submitters: Benign (23). 4 of the submissions do not count toward it. Last evaluated 2026-02-04.

Conditions:
Dilated cardiomyopathy 1G (CMD1G). Identifiers: Orphanet 154, MedGen C1858763, MONDO:0011400, OMIM 604145.
Autosomal recessive limb-girdle muscular dystrophy type 2J (LGMDR10). Also called: MUSCULAR DYSTROPHY, LIMB-GIRDLE, AUTOSOMAL RECESSIVE 10; Limb-girdle muscular dystrophy, type 2J. Identifiers: Orphanet 140922, MedGen C1837342, MONDO:0012127, OMIM 608807.
Cardiovascular phenotype. Identifiers: MedGen CN230736.
Early-onset myopathy with fatal cardiomyopathy (CMYO5). Also called: CONGENITAL MYOPATHY 5 WITH CARDIOMYOPATHY; Salih Myopathy. Identifiers: Orphanet 289377, MedGen C2673677, MONDO:0012714, OMIM 611705. Disease mechanism: loss of function.
Myopathy, myofibrillar, 9, with early respiratory failure (MFM9). Also called: Myopathy, distal, with early respiratory failure, autosomal dominant; Hereditary myopathy with early respiratory failure; MYOPATHY, PROXIMAL, WITH EARLY RESPIRATORY MUSCLE INVOLVEMENT; EDSTROM MYOPATHY. Identifiers: Orphanet 178464, Orphanet 34521, MedGen C1863599, MONDO:0011362, OMIM 603689.
Tibial muscular dystrophy (TMD). Also called: Udd Distal Myopathy – Tibial Muscular Dystrophy; Tibial muscular dystrophy, tardive; UDD MYOPATHY. Identifiers: Orphanet 609, MedGen C1838244, MONDO:0010870, OMIM 600334.

Allele frequency attached by ClinVar (database versions not stated): gnomAD 0.86845 and 0.87338; 1000 Genomes Project 30x 0.80340; 1000 Genomes Project 0.80491; gnomAD exomes 0.83980 and 0.90364; ESP Exome Variant Server 0.89651; ExAC 0.85002; TOPMed 0.85294.
gnomAD v4.1: 1,452,743 of 1,613,962 alleles (90%); highest among the groups gnomAD compares: Non-Finnish European, 93%; 658,565 homozygotes.

Submissions (27):

Labcorp Genetics (formerly Invitae), Labcorp
Classification: Benign for Dilated cardiomyopathy 1G; Autosomal recessive limb-girdle muscular dystrophy type 2J. Last evaluated: 2026-02-04. Review status: criteria provided, single submitter. Criteria: Invitae Variant Classification Sherloc (09022015). Collection method: clinical testing. Allele origin: germline.

Molecular Diagnostic Laboratory for Inherited Cardiovascular Disease, Montreal Heart Institute
Classification: Benign. Last evaluated: 2025-04-09. Review status: criteria provided, single submitter. Criteria: ACMG Guidelines, 2015. Collection method: clinical testing. Allele origin: germline. Affected: no.

Blueprint Genetics
Classification: Benign. Last evaluated: 2024-11-26. Review status: criteria provided, single submitter. Criteria: ACMG Guidelines, 2015. Collection method: clinical testing. Allele origin: germline.

Genome-Nilou Lab
Classification: Benign for Autosomal recessive limb-girdle muscular dystrophy type 2J. Last evaluated: 2021-09-10. Review status: criteria provided, single submitter. Criteria: ACMG Guidelines, 2015. Collection method: clinical testing. Allele origin: germline. Affected: no.

Genome-Nilou Lab
Classification: Benign for Myopathy, myofibrillar, 9, with early respiratory failure. Last evaluated: 2021-09-10. Review status: criteria provided, single submitter. Criteria: ACMG Guidelines, 2015. Collection method: clinical testing. Allele origin: germline. Affected: no.

Genome-Nilou Lab
Classification: Benign for Early-onset myopathy with fatal cardiomyopathy. Last evaluated: 2021-09-10. Review status: criteria provided, single submitter. Criteria: ACMG Guidelines, 2015. Collection method: clinical testing. Allele origin: germline. Affected: no.

Genome-Nilou Lab
Classification: Benign for Tibial muscular dystrophy. Last evaluated: 2021-09-10. Review status: criteria provided, single submitter. Criteria: ACMG Guidelines, 2015. Collection method: clinical testing. Allele origin: germline. Affected: no.

Women's Health and Genetics/Laboratory Corporation of America, LabCorp
Classification: Benign. Last evaluated: 2019-08-09. Review status: criteria provided, single submitter. Criteria: LabCorp Variant Classification Summary - May 2015. Collection method: clinical testing. Allele origin: germline.

Athena Diagnostics
Classification: Benign. Last evaluated: 2018-12-18. Review status: criteria provided, single submitter. Criteria: Athena Diagnostics Criteria. Collection method: clinical testing. Allele origin: germline.

Illumina Laboratory Services, Illumina
Classification: Benign for Myopathy, myofibrillar, 9, with early respiratory failure. Last evaluated: 2018-01-12. Review status: criteria provided, single submitter. Criteria: ICSL Variant Classification Criteria 13 December 2019. Collection method: clinical testing. Allele origin: germline.
Comment: This variant was observed in the ICSL laboratory as part of a predisposition screen in an ostensibly healthy population. It had not been previously curated by ICSL or reported in the Human Gene Mutation Database (HGMD: prior to June 1st, 2018), and was therefore a candidate for classification through an automated scoring system. Utilizing variant allele frequency, disease prevalence and penetrance estimates, and inheritance mode, an automated score was calculated to assess if this variant is too frequent to cause the disease. Based on the score and internal cut-off values, a variant classified as benign is not then subjected to further curation. The score for this variant resulted in a classification of benign for this disease.

Illumina Laboratory Services, Illumina
Classification: Benign for Tibial muscular dystrophy. Last evaluated: 2018-01-12. Review status: criteria provided, single submitter. Criteria: ICSL Variant Classification Criteria 13 December 2019. Collection method: clinical testing. Allele origin: germline.
Comment: the same text as in the submission from Illumina Laboratory Services, Illumina above.

Illumina Laboratory Services, Illumina
Classification: Benign for Autosomal recessive limb-girdle muscular dystrophy type 2J. Last evaluated: 2018-01-12. Review status: criteria provided, single submitter. Criteria: ICSL Variant Classification Criteria 13 December 2019. Collection method: clinical testing. Allele origin: germline.
Comment: the same text as in the submission from Illumina Laboratory Services, Illumina above.

Illumina Laboratory Services, Illumina
Classification: Benign for Dilated cardiomyopathy 1G. Last evaluated: 2018-01-12. Review status: criteria provided, single submitter. Criteria: ICSL Variant Classification Criteria 13 December 2019. Collection method: clinical testing. Allele origin: germline.
Comment: the same text as in the submission from Illumina Laboratory Services, Illumina above.

Illumina Laboratory Services, Illumina
Classification: Benign for Early-onset myopathy with fatal cardiomyopathy. Last evaluated: 2018-01-12. Review status: criteria provided, single submitter. Criteria: ICSL Variant Classification Criteria 13 December 2019. Collection method: clinical testing. Allele origin: germline.
Comment: the same text as in the submission from Illumina Laboratory Services, Illumina above.

Mayo Clinic Laboratories, Mayo Clinic
Classification: Benign. Last evaluated: 2017-07-21. Review status: criteria provided, single submitter. Criteria: ACMG Guidelines, 2015. Collection method: clinical testing. Allele origin: germline. Observed: 2,373 variant alleles.

Eurofins Ntd Llc (ga)
Classification: Benign. Last evaluated: 2013-10-18. Review status: criteria provided, single submitter. Criteria: EGL Classification Definitions 2015. Collection method: clinical testing. Allele origin: germline. Observed: 15 variant alleles, 6 heterozygotes, 9 homozygotes.

Genetic Services Laboratory, University of Chicago
Classification: Benign for AllHighlyPenetrant. Last evaluated: 2013-08-15. Review status: criteria provided, single submitter. Criteria: ACMG Guidelines, 2007. Collection method: clinical testing. Allele origin: germline.

Biesecker Lab/Clinical Genomics Section, National Institutes of Health
Classification: Benign. Last evaluated: 2013-06-24. Review status: criteria provided, single submitter. Criteria: Ng et al. (Circ Cardiovasc Genet. 2013). Collection method: research. Allele origin: unknown. Observed: 857 variant alleles. Study: ClinSeq.
Comment: The study set was not selected for affection status in relation to any cancer. Pathogenicity categories were based on literature curation. See Pubmed ID:23861362 for details.

Medical sequencing

GeneDx
Classification: Benign. Last evaluated: 2013-01-31. Review status: criteria provided, single submitter. Criteria: GeneDx Variant Classification (06012015). Collection method: clinical testing. Allele origin: germline. Affected: yes.
Comment: This variant is considered likely benign or benign based on one or more of the following criteria: it is a conservative change, it occurs at a poorly conserved position in the protein, it is predicted to be benign by multiple in silico algorithms, and/or has population frequency not consistent with disease.

Ambry Genetics
Classification: Benign for Cardiovascular phenotype. Last evaluated: 2012-07-11. Review status: criteria provided, single submitter. Criteria: Ambry Autosomal Dominant and X-Linked criteria (10/2015). Collection method: clinical testing. Allele origin: germline. Observed: 1 variant allele.

Laboratory for Molecular Medicine, Mass General Brigham Personalized Medicine
Classification: Benign. Last evaluated: 2011-09-16. Review status: criteria provided, single submitter. Criteria: LMM Criteria. Collection method: clinical testing. Allele origin: germline. Observed: 1,865 variant alleles.

Breakthrough Genomics
Classification: Benign. Review status: criteria provided, single submitter. Criteria: ACMG Guidelines, 2015. Collection method: not provided. Allele origin: germline. Inheritance: Autosomal recessive inheritance. Affected: yes.

PreventionGenetics, part of Exact Sciences
Classification: Benign. Review status: criteria provided, single submitter. Criteria: ACMG Guidelines, 2015. Collection method: clinical testing. Allele origin: germline.

Clinical Genetics DNA and cytogenetics Diagnostics Lab, Erasmus MC, Erasmus Medical Center
Classification: Benign. Review status: no assertion criteria provided. Collection method: clinical testing. Allele origin: germline. Affected: yes. Study: VKGL Data-share Consensus. Not counted in ClinVar's aggregate classification.

Clinical Genetics, Academic Medical Center
Classification: Benign. Review status: no assertion criteria provided. Collection method: clinical testing. Allele origin: germline. Affected: yes. Study: VKGL Data-share Consensus. Not counted in ClinVar's aggregate classification.

Diagnostic Laboratory, Department of Genetics, University Medical Center Groningen
Classification: Benign. Review status: no assertion criteria provided. Collection method: clinical testing. Allele origin: germline. Affected: yes. Study: VKGL Data-share Consensus. Not counted in ClinVar's aggregate classification.

Genome Diagnostics Laboratory, University Medical Center Utrecht
Classification: Benign. Review status: no assertion criteria provided. Collection method: clinical testing. Allele origin: germline. Affected: yes. Study: VKGL Data-share Consensus. Not counted in ClinVar's aggregate classification.

NM_001267550.2(TTN):c.9781G>A (p.Val3261Met)

Gene: TTN (titin; minus strand). Cytogenetic location: 2q31.2.
Variant type: single nucleotide variant.
Coding change: c.9781G>A on transcript NM_001267550.2 (MANE Select); coding-DNA position 9781, G replaced by A.
Protein change: p.Val3261Met; replaces valine 3261 with methionine.
Molecular consequence: missense variant.
Genome position (GRCh38, 1-based): chr2:178,764,734, C>T on the plus strand (G>A on the coding strand, the complement: TTN is on the minus strand). VCF-style: chr2-178764734-C-T. GRCh37 (hg19) VCF-style: chr2-179629461-C-T.
Other names: p.V3261M:GTG>ATG; c.9781G>A, p.Val3261Met (NM_001256850.1, NM_133378.4, NM_133379.5); c.9643G>A, p.Val3215Met (NM_003319.4, NM_133432.3, NM_133437.4); short protein forms V3261M, V3215M.
Identifiers: ClinVar variation 47692 (VCV000047692.40), dbSNP rs2291311, ClinGen allele CA284326.